The following is an entry in ClinVar:

NM_001367805.3(KIF23):c.563+6del

Gene: KIF23 (kinesin family member 23; plus strand). Cytogenetic location: 15q23.
Variant type: Deletion.
Coding change: c.563+6del on transcript NM_001367805.3 (MANE Select); 6 bases into the intron after coding-DNA position 563, one base deleted (T; older notation c.563+6delT).
Molecular consequence: intron variant.
Genome position (GRCh38, 1-based): chr15:69,422,441, T deleted. VCF-style (leftmost placement, unchanged base first): chr15-69422440-GT-G. GRCh37 (hg19) VCF-style: chr15-69714779-GT-G.
Other names: c.563+6del (NM_138555.4, NM_001367804.2, NM_004856.7); c.233+6del (NM_001281301.2).
Identifiers: ClinVar variation 2722713 (VCV002722713.3), dbSNP rs774048009, ClinGen allele CA7634933.
Genomic context (GRCh38, chr15:69,422,440, plus strand): 5'-TTATTAGAACGTCAGAAAAGAGAAGCTATGCCCAATCCAAAGACTTCTTCTAGCAAGTAA[GT>G]AATTATATTTGTCTGCAGCACTGGCCTAGGGGCACAGGATTCTTTCCTGTGGTTTGCCCA-3'

ClinVar aggregate classification (germline): Uncertain significance (1 of 4 stars; one submission).

Allele frequency attached by ClinVar (database versions not stated): gnomAD exomes 0.00001; TOPMed 0.00001; gnomAD 0.00002; ExAC 0.00005; ESP Exome Variant Server 0.00008.

Submission:

Labcorp Genetics (formerly Invitae), Labcorp
Classification: Uncertain significance. Last evaluated: 2023-12-06. Review status: criteria provided, single submitter. Criteria: Invitae Variant Classification Sherloc (09022015). Collection method: clinical testing. Allele origin: germline.
Comment: This sequence change falls in intron 6 of the KIF23 gene. It does not directly change the encoded amino acid sequence of the KIF23 protein. It affects a nucleotide within the consensus splice site. This variant is present in population databases (rs774048009, gnomAD 0.005%). This variant has not been reported in the literature in individuals affected with KIF23-related conditions. Variants that disrupt the consensus splice site are a relatively common cause of aberrant splicing (PMID: 17576681, 9536098). Algorithms developed to predict the effect of sequence changes on RNA splicing suggest that this variant is not likely to affect RNA splicing. In summary, the available evidence is currently insufficient to determine the role of this variant in disease. Therefore, it has been classified as a Variant of Uncertain Significance.

Literature cited by the submitters: PubMed 17576681; PubMed 9536098.